The following is an entry in ClinVar:

NM_013352.4(DSE):c.1972A>G (p.Thr658Ala)

Gene: DSE (dermatan sulfate epimerase; plus strand). Cytogenetic location: 6q22.1.
Variant type: single nucleotide variant.
Coding change: c.1972A>G on transcript NM_013352.4 (MANE Select); coding-DNA position 1972, A replaced by G.
Protein change: p.Thr658Ala; replaces threonine 658 with alanine.
Molecular consequence: missense variant. On other transcripts: 3 prime UTR variant (2), non-coding transcript variant (1).
Genome position (GRCh38, 1-based): chr6:116,436,440, A>G. VCF-style: chr6-116436440-A-G. GRCh37 (hg19) VCF-style: chr6-116757603-A-G.
Other names: c.1972A>G, p.Thr658Ala (NM_001080976.3, NM_001322937.2, NM_001322938.2); c.2029A>G, p.Thr677Ala (NM_001322939.2); c.1411A>G, p.Thr471Ala (NM_001322940.2, NM_001322941.2); c.*837A>G (NM_001322943.2, NM_001322944.2); c.973A>G, p.Thr325Ala (NM_001374520.1); c.937A>G, p.Thr313Ala (NM_001374521.1); short protein forms T313A, T325A, T471A, T658A, T677A.
Identifiers: ClinVar variation 4873648 (VCV004873648.2).
Genomic context (GRCh38, chr6:116,436,440, plus strand): 5'-GGCTATCCCTACAATGGGACAAACTATGTGAATGTCACCATGCACCTCCGAAGTCCCATC[A>G]CCAGGGCAGCTTACCTCTTCATAGGGCCATCTATAGATGTTCAGAGCTTCACTGTCCACG-3'
Protein context (NP_037484.1, residues 648-668): NVTMHLRSPI[Thr658Ala]RAAYLFIGPS

ClinVar aggregate classification (germline): Uncertain significance (1 of 4 stars; one submission).

gnomAD v4.1: 2 of 1,614,162 alleles (0.00012%); highest among the groups gnomAD compares: Non-Finnish European, 0.00017%; no homozygotes.

Submission:

CeGaT Center for Human Genetics Tuebingen
Classification: Uncertain significance. Last evaluated: 2026-04-01. Review status: criteria provided, single submitter. Criteria: CeGaT Center For Human Genetics Tuebingen Variant Classification Criteria Version 2. Collection method: clinical testing. Allele origin: germline. Affected: yes. Observed: 1 variant allele.
Comment: DSE: PM2